The following is an entry in ClinVar:

ClinVar aggregate classification (germline): Likely pathogenic (1 of 4 stars; one submission).

Conditions:
POMC-related disorder. Also called: POMC-related condition; POMC-related disorders.

Submission:

PreventionGenetics, part of Exact Sciences
Classification: Likely pathogenic for POMC-related condition. Last evaluated: 2026-09-23. Review status: criteria provided, single submitter. Criteria: ACMG Guidelines, 2015. Collection method: clinical testing. Allele origin: germline.
Comment: The POMC c.291_306dup16 variant is predicted to result in a frameshift and premature protein termination (p.Lys103Glnfs*21). To our knowledge, this variant has not been reported in the literature or in a large population database (gnomAD), indicating this variant is rare. Frameshift variants in POMC are expected to be pathogenic. This variant is interpreted as likely pathogenic.

NM_000939.4(POMC):c.291_306dup (p.Lys103fs)

Gene: POMC (proopiomelanocortin; minus strand). Cytogenetic location: 2p23.3.
Variant type: Duplication.
Coding change: c.291_306dup on transcript NM_000939.4 (MANE Select); coding-DNA positions 291 to 306, 16 bases duplicated (CAGCGGCGCAGGGCAG).
Protein change: p.Lys103fs; shifts the reading frame from lysine 103.
Molecular consequence: frameshift variant.
Genome position (GRCh38, 1-based): chr2:25,161,579-25,161,594, CTGCCCTGCGCCGCTG duplicated on the plus strand (CAGCGGCGCAGGGCAG on the coding strand, the reverse complement: POMC is on the minus strand); duplicating any 16 consecutive bases within chr2:25,161,579-25,161,599 gives the same sequence; the c. name uses the placement nearest the transcript's 3' end. VCF-style (leftmost placement, unchanged base first): chr2-25161578-T-TCTGCCCTGCGCCGCTG. GRCh37 (hg19) VCF-style: chr2-25384447-T-TCTGCCCTGCGCCGCTG.
Other names: c.291_306dup, p.Lys103fs (NM_001035256.3, NM_001319204.2, NM_001319205.2); short protein forms K103fs.
Identifiers: ClinVar variation 4987189 (VCV004987189.1).
Genomic context (GRCh38, chr2:25,161,578, plus strand): 5'-GCTCGGGGCCGCCCTCAGGCAGCGGGCCGCAGTCTTCGCCCGCTGAGACGTCCTCGCGCT[T>TCTGCCCTGCGCCGCTG]CTGCCCTGCGCCGCTGCTGCCGCTGCTGCTGCTGTTGCGGCGGCCGAATCGGTCCCAGCG-3'